The following is an entry in ClinVar:

ClinVar aggregate classification (germline): Uncertain significance (1 of 4 stars; one submission).

Conditions:
GLB1-related disorder. Also called: GLB1-related disorders. Identifiers: MedGen CN377807.

gnomAD v4.1: 1 of 1,614,184 alleles (0.000062%); highest among the groups gnomAD compares: Non-Finnish European, 0.000085%; no homozygotes.

Submission:

3billion
Classification: Uncertain significance for GLB1-related disorder. Last evaluated: 2025-08-18. Review status: criteria provided, single submitter. Criteria: ACMG Guidelines, 2015. Collection method: clinical testing. Allele origin: germline. Affected: yes.
Comment: The variant is observed at an extremely low frequency in the gnomAD v4.1.0 dataset (total allele frequency: <0.001%). Predicted Consequence/Location: Missense variant In silico tool predictions suggest damaging effect of the variant on gene or gene product [REVEL: 0.82 (>=0.6, sensitivity 0.68 and specificity 0.92); 3Cnet: 0.98 (> 0.75, sensitivity 0.96 and precision 0.92)]. Therefore, this variant is classified as VUS according to the recommendation of ACMG/AMP guideline.

NM_000404.4(GLB1):c.951G>T (p.Trp317Cys)

Gene: GLB1 (galactosidase beta 1; minus strand). Cytogenetic location: 3p22.3.
Variant type: single nucleotide variant.
Coding change: c.951G>T on transcript NM_000404.4 (MANE Select); coding-DNA position 951, G replaced by T.
Protein change: p.Trp317Cys; replaces tryptophan 317 with cysteine.
Molecular consequence: missense variant.
Genome position (GRCh38, 1-based): chr3:33,051,762, C>A on the plus strand (G>T on the coding strand, the complement: GLB1 is on the minus strand). VCF-style: chr3-33051762-C-A. GRCh37 (hg19) VCF-style: chr3-33093254-C-A.
Other names: c.861G>T, p.Trp287Cys (NM_001079811.3); c.558G>T, p.Trp186Cys (NM_001135602.3); c.1095G>T, p.Trp365Cys (NM_001317040.2); c.951G>T, p.Trp317Cys (NM_001393580.1); short protein forms W186C, W287C, W317C, W365C.
Identifiers: ClinVar variation 4855393 (VCV004855393.1).